The following is an entry in ClinVar:

ClinVar aggregate classification (germline): Conflicting classifications of pathogenicity. Review status: criteria provided, conflicting classifications (1 of 4 stars). 12 submissions from 11 submitters: Uncertain significance (7); Likely benign (3). 2 of the submissions do not count toward it. Last evaluated 2026-01-19.

Conditions:
Birt-Hogg-Dube syndrome 1 (BHD1). Also called: FIBROFOLLICULOMAS WITH TRICHODISCOMAS AND ACROCHORDONS. Identifiers: Orphanet 122, MedGen CN375946, MONDO:0800445, OMIM 135150.
FLCN-related disorder. Also called: FLCN-related condition.
Hereditary cancer-predisposing syndrome. Also called: Neoplastic Syndromes, Hereditary; Hereditary neoplastic syndrome; Hereditary Cancer Syndrome; Tumor predisposition. Identifiers: Orphanet 140162, MedGen C0027672, MeSH D009386, MONDO:0015356.
Birt-Hogg-Dube syndrome. Also called: Birt Hogg Dubé syndrome. Identifiers: Orphanet 122, MedGen C0346010, MONDO:0800444.
Familial spontaneous pneumothorax (PSP). Identifiers: Orphanet 2903, MedGen C1868193, MONDO:0008259, OMIM 173600.

Allele frequency attached by ClinVar (database versions not stated): ExAC 0.00003; gnomAD exomes 0.00004; gnomAD 0.00007; TOPMed 0.00007; ESP Exome Variant Server 0.00008.
gnomAD v4.1: 108 of 1,613,600 alleles (0.0067%); highest among the groups gnomAD compares: Non-Finnish European, 0.0084%; 1 homozygote.

Submissions (12):

Labcorp Genetics (formerly Invitae), Labcorp
Classification: Likely benign for Birt-Hogg-Dube syndrome. Last evaluated: 2026-01-19. Review status: criteria provided, single submitter. Criteria: Invitae Variant Classification Sherloc (09022015). Collection method: clinical testing. Allele origin: germline.

Center for Genomic Medicine, Rigshospitalet, Copenhagen University Hospital
Classification: Uncertain significance. Last evaluated: 2025-12-29. Review status: criteria provided, single submitter. Criteria: ACMG Guidelines, 2015. Collection method: clinical testing. Allele origin: germline.

PreventionGenetics, part of Exact Sciences
Classification: Uncertain significance for FLCN-related condition. Last evaluated: 2025-03-13. Review status: criteria provided, single submitter. Criteria: ACMG Guidelines, 2015. Collection method: clinical testing. Allele origin: germline.
Comment: The FLCN c.552C>A variant is predicted to result in the amino acid substitution p.Asn184Lys. To our knowledge, this variant has not been reported in the literature. This variant is reported in 0.0071% of alleles in individuals of European (Non-Finnish) descent in gnomAD. At this time, the clinical significance of this variant is uncertain due to the absence of conclusive functional and genetic evidence.

Myriad Genetics, Inc.
Classification: Likely benign for Birt-Hogg-Dube syndrome 1. Last evaluated: 2024-10-23. Review status: criteria provided, single submitter. Criteria: Myriad Autosomal Dominant, Autosomal Recessive and X-Linked Classification Criteria (2023). Collection method: clinical testing. Allele origin: unknown.
Comment: This variant is considered likely benign. This variant has been observed at a population frequency that is significantly greater than expected given the associated disease prevalence and penetrance.

GeneDx
Classification: Uncertain significance. Last evaluated: 2024-07-02. Review status: criteria provided, single submitter. Criteria: GeneDx Variant Classification Process June 2021. Collection method: clinical testing. Allele origin: germline. Affected: yes.
Comment: Observed in an individual with unspecified advanced cancer and another with a personal and family history of Lynch-related cancers but without an identifiable mismatch repair gene variant (PMID: 28873162, 30256826); In silico analysis supports that this missense variant has a deleterious effect on protein structure/function; This variant is associated with the following publications: (PMID: 30256826, 28873162)

Blueprint Genetics
Classification: Uncertain significance. Last evaluated: 2024-07-01. Review status: criteria provided, single submitter. Criteria: ACMG Guidelines, 2015. Collection method: clinical testing. Allele origin: germline.

Quest Diagnostics Nichols Institute San Juan Capistrano
Classification: Uncertain significance. Last evaluated: 2023-06-13. Review status: criteria provided, single submitter. Criteria: Quest Diagnostics criteria. Collection method: clinical testing. Allele origin: unknown.
Comment: In the published literature, this variant has been reported in an individual with an unspecified cancer type (PMID: 28873162 (2017)). The frequency of this variant in the general population, 0.000071 (8/113348 chromosomes in European (Non-Finnish) subpopulation (Genome Aggregation Database)), is higher than would generally be expected for pathogenic variants in this gene. Analysis of this variant using bioinformatics tools for the prediction of the effect of amino acid changes on protein structure and function yielded predictions that this variant is benign. Based on the available information, we are unable to determine the clinical significance of this variant.

Ambry Genetics
Classification: Likely benign for Hereditary cancer-predisposing syndrome. Last evaluated: 2019-05-22. Review status: criteria provided, single submitter. Criteria: Ambry Variant Classification Scheme 2023. Collection method: clinical testing. Allele origin: germline.

Illumina Laboratory Services, Illumina
Classification: Uncertain significance for Familial spontaneous pneumothorax. Last evaluated: 2018-01-13. Review status: criteria provided, single submitter. Criteria: ICSL Variant Classification Criteria 13 December 2019. Collection method: clinical testing. Allele origin: germline.

Illumina Laboratory Services, Illumina
Classification: Uncertain significance for Birt-Hogg-Dube syndrome 1. Last evaluated: 2018-01-13. Review status: criteria provided, single submitter. Criteria: ICSL Variant Classification Criteria 13 December 2019. Collection method: clinical testing. Allele origin: germline.

Clinical Genetics DNA and cytogenetics Diagnostics Lab, Erasmus MC, Erasmus Medical Center
Classification: Uncertain significance. Review status: no assertion criteria provided. Collection method: clinical testing. Allele origin: germline. Affected: yes. Study: VKGL Data-share Consensus. Not counted in ClinVar's aggregate classification.

Genome Diagnostics Laboratory, Amsterdam University Medical Center
Classification: Uncertain significance. Review status: no assertion criteria provided. Collection method: clinical testing. Allele origin: germline. Affected: yes. Study: VKGL Data-share Consensus. Not counted in ClinVar's aggregate classification.

Literature cited by the submitters: PubMed 28873162 (cited by Quest Diagnostics Nichols Institute San Juan Capistrano).

NM_144997.7(FLCN):c.552C>A (p.Asn184Lys)

Gene: FLCN (folliculin; minus strand). Cytogenetic location: 17p11.2.
Variant type: single nucleotide variant.
Coding change: c.552C>A on transcript NM_144997.7 (MANE Select); coding-DNA position 552, C replaced by A.
Protein change: p.Asn184Lys; replaces asparagine 184 with lysine.
Molecular consequence: missense variant.
Genome position (GRCh38, 1-based): chr17:17,223,988, G>T on the plus strand (C>A on the coding strand, the complement: FLCN is on the minus strand). VCF-style: chr17-17223988-G-T. GRCh37 (hg19) VCF-style: chr17-17127302-G-T.
Other names: c.606C>A, p.Asn202Lys (NM_001353229.2); c.552C>A, p.Asn184Lys (NM_001353230.2, NM_001353231.2, NM_144606.7); c.552C>A (LRG_325t1, NM_144997.6); short protein forms N184K, N202K.
Identifiers: ClinVar variation 241926 (VCV000241926.33), dbSNP rs143525924, ClinGen allele CA8416384.